The following is an entry in ClinVar:

NM_206965.2(FTCD):c.140C>G (p.Thr47Ser)

Gene: FTCD (formimidoyltransferase cyclodeaminase; minus strand). Cytogenetic location: 21q22.3.
Variant type: single nucleotide variant.
Coding change: c.140C>G on transcript NM_206965.2 (MANE Select); coding-DNA position 140, C replaced by G.
Protein change: p.Thr47Ser; replaces threonine 47 with serine.
Molecular consequence: missense variant.
Genome position (GRCh38, 1-based): chr21:46,154,247, G>C on the plus strand (C>G on the coding strand, the complement: FTCD is on the minus strand). VCF-style: chr21-46154247-G-C. GRCh37 (hg19) VCF-style: chr21-47574161-G-C.
Other names: c.140C>G, p.Thr47Ser (NM_001320412.2, NM_006657.3); short protein forms T47S.
Identifiers: ClinVar variation 2596224 (VCV002596224.5), dbSNP rs200947654, ClinGen allele CA10074052.

ClinVar aggregate classification (germline): Uncertain significance. Review status: criteria provided, multiple submitters, no conflicts (2 of 4 stars). 2 submissions from 2 submitters: Uncertain significance (2). Last evaluated 2023-12-02.

Conditions:
Inborn genetic diseases. Identifiers: MedGen C0950123, MeSH D030342.
Glutamate formiminotransferase deficiency. Also called: Arakawa syndrome 1; Formiminoglutamic aciduria. Identifiers: Orphanet 51208, MedGen C0268609, MONDO:0009240, OMIM 229100.

Allele frequency attached by ClinVar (database versions not stated): ExAC 0.00002; TOPMed 0.00008; gnomAD 0.00010; ESP Exome Variant Server 0.00023.
gnomAD v4.1: 24 of 1,612,662 alleles (0.0015%); highest among the groups gnomAD compares: African/African-American, 0.032%; no homozygotes.

Submissions (2):

Labcorp Genetics (formerly Invitae), Labcorp
Classification: Uncertain significance for Glutamate formiminotransferase deficiency. Last evaluated: 2023-12-02. Review status: criteria provided, single submitter. Criteria: Invitae Variant Classification Sherloc (09022015). Collection method: clinical testing. Allele origin: germline.
Comment: This sequence change replaces threonine, which is neutral and polar, with serine, which is neutral and polar, at codon 47 of the FTCD protein (p.Thr47Ser). This variant is present in population databases (rs200947654, gnomAD 0.05%). This variant has not been reported in the literature in individuals affected with FTCD-related conditions. Advanced modeling of protein sequence and biophysical properties (such as structural, functional, and spatial information, amino acid conservation, physicochemical variation, residue mobility, and thermodynamic stability) performed at Invitae indicates that this missense variant is not expected to disrupt FTCD protein function with a negative predictive value of 80%. In summary, the available evidence is currently insufficient to determine the role of this variant in disease. Therefore, it has been classified as a Variant of Uncertain Significance.

Ambry Genetics
Classification: Uncertain significance for Inborn genetic diseases. Last evaluated: 2023-08-21. Review status: criteria provided, single submitter. Criteria: Ambry Variant Classification Scheme 2023. Collection method: clinical testing. Allele origin: germline.